The following is an entry in ClinVar:

ClinVar aggregate classification (germline): Benign/Likely benign. Review status: criteria provided, multiple submitters, no conflicts (2 of 4 stars). 2 submissions from 2 submitters: Benign (1); Likely benign (1). Last evaluated 2026-01-19.

Conditions:
Congenital hyperammonemia, type I. Also called: Carbamoyl-phosphate synthase I deficiency; CPS I DEFICIENCY; Carbamoyl phosphate synthetase I deficiency disease; Carbamoyl phosphate synthetase 1 deficiency; Hyperammonemia due to carbamoyl phosphate synthetase 1 deficiency; CPS 1 deficiency. Identifiers: Orphanet 147, MedGen C4082171, MONDO:0009376, OMIM 237300.

Allele frequency attached by ClinVar (database versions not stated): gnomAD exomes 0.00008 and 0.00022; ExAC 0.00030; gnomAD 0.00071 and 0.00076; TOPMed 0.00092; 1000 Genomes Project 30x 0.00094; 1000 Genomes Project 0.00100; ESP Exome Variant Server 0.00100.
gnomAD v4.1: 229 of 1,612,928 alleles (0.014%); highest among the groups gnomAD compares: African/African-American, 0.27%; 2 homozygotes.

Submissions (2):

Labcorp Genetics (formerly Invitae), Labcorp
Classification: Benign for Congenital hyperammonemia, type I. Last evaluated: 2026-01-19. Review status: criteria provided, single submitter. Criteria: Invitae Variant Classification Sherloc (09022015). Collection method: clinical testing. Allele origin: germline.

GeneDx
Classification: Likely benign. Last evaluated: 2016-03-22. Review status: criteria provided, single submitter. Criteria: GeneDx Variant Classification (06012015). Collection method: clinical testing. Allele origin: germline. Affected: yes.
Comment: This variant is considered likely benign or benign based on one or more of the following criteria: it is a conservative change, it occurs at a poorly conserved position in the protein, it is predicted to be benign by multiple in silico algorithms, and/or has population frequency not consistent with disease.

NM_001875.5(CPS1):c.381+17C>T

Gene: CPS1 (carbamoyl-phosphate synthase 1; plus strand). Cytogenetic location: 2q34.
Variant type: single nucleotide variant.
Coding change: c.381+17C>T on transcript NM_001875.5 (MANE Select); 17 bases into the intron after coding-DNA position 381, C replaced by T.
Molecular consequence: intron variant.
Genome position (GRCh38, 1-based): chr2:210,576,507, C>T. VCF-style: chr2-210576507-C-T. GRCh37 (hg19) VCF-style: chr2-211441231-C-T.
Other names: c.381+17C>T (LRG_336t1, NM_001369257.1, NM_001122633.3); c.414+17C>T (NM_001369256.1).
Identifiers: ClinVar variation 383903 (VCV000383903.9), dbSNP rs374364413, ClinGen allele CA2086003.
Genomic context (GRCh38, chr2:210,576,507, plus strand): 5'-ATGAACTGGGACTTAGCAAATATTTGGAGTCTAATGGAATCAAGGTAGTACCAGTGGTGG[C>T]CATTTAAAAAGTCTCAATTTGAGGGAGTATAGTTGACTTATTCTTAAGAATTAGGATGGC-3'